The following is an entry in ClinVar:

NM_002133.3(HMOX1):c.144+1G>A

Gene: HMOX1 (heme oxygenase 1; plus strand). Cytogenetic location: 22q12.3.
Variant type: single nucleotide variant.
Coding change: c.144+1G>A on transcript NM_002133.3 (MANE Select); the canonical splice donor site of the intron after coding-DNA position 144, G replaced by A.
Molecular consequence: splice donor variant.
Genome position (GRCh38, 1-based): chr22:35,383,227, G>A. VCF-style: chr22-35383227-G-A. GRCh37 (hg19) VCF-style: chr22-35779220-G-A.
Identifiers: ClinVar variation 2764359 (VCV002764359.3), dbSNP rs2517861714, ClinGen allele CA411351781.

ClinVar aggregate classification (germline): Likely pathogenic (1 of 4 stars; one submission).

Submission:

Labcorp Genetics (formerly Invitae), Labcorp
Classification: Likely pathogenic. Last evaluated: 2023-09-29. Review status: criteria provided, single submitter. Criteria: Invitae Variant Classification Sherloc (09022015). Collection method: clinical testing. Allele origin: germline.
Comment: Algorithms developed to predict the effect of sequence changes on RNA splicing suggest that this variant may disrupt the consensus splice site. In summary, the currently available evidence indicates that the variant is pathogenic, but additional data are needed to prove that conclusively. Therefore, this variant has been classified as Likely Pathogenic. This variant has not been reported in the literature in individuals affected with HMOX1-related conditions. This sequence change affects a donor splice site in intron 2 of the HMOX1 gene. It is expected to disrupt RNA splicing. Variants that disrupt the donor or acceptor splice site typically lead to a loss of protein function (PMID: 16199547), and loss-of-function variants in HMOX1 are known to be pathogenic (PMID: 9884342, 21088618). This variant is not present in population databases (gnomAD no frequency).

Literature cited by the submitters: PubMed 16199547; PubMed 9884342; PubMed 21088618.